The following is an entry in ClinVar:

NM_001211.6(BUB1B):c.649T>A (p.Phe217Ile)

Gene: BUB1B (BUB1 mitotic checkpoint serine/threonine kinase B; plus strand). Cytogenetic location: 15q15.1.
Variant type: single nucleotide variant.
Coding change: c.649T>A on transcript NM_001211.6 (MANE Select); coding-DNA position 649, T replaced by A.
Protein change: p.Phe217Ile; replaces phenylalanine 217 with isoleucine.
Molecular consequence: missense variant.
Genome position (GRCh38, 1-based): chr15:40,183,781, T>A. VCF-style: chr15-40183781-T-A. GRCh37 (hg19) VCF-style: chr15-40475982-T-A.
Other names: short protein forms F217I.
Identifiers: ClinVar variation 3483218 (VCV003483218.1).

ClinVar aggregate classification (germline): Uncertain significance (1 of 4 stars; one submission).

Conditions:
Inborn genetic diseases. Identifiers: MedGen C0950123, MeSH D030342.

Submission:

Ambry Genetics
Classification: Uncertain significance for Inborn genetic diseases. Last evaluated: 2024-10-19. Review status: criteria provided, single submitter. Criteria: Ambry Variant Classification Scheme 2023. Collection method: clinical testing. Allele origin: germline.
Comment: The p.F217I variant (also known as c.649T>A), located in coding exon 6 of the BUB1B gene, results from a T to A substitution at nucleotide position 649. The phenylalanine at codon 217 is replaced by isoleucine, an amino acid with highly similar properties. This amino acid position is conserved. In addition, this alteration is predicted to be tolerated by in silico analysis. Based on the available evidence, the clinical significance of this variant remains unclear.